The following is an entry in ClinVar:

ClinVar aggregate classification (germline): Uncertain significance (1 of 4 stars; one submission).

Conditions:
X-linked distal spinal muscular atrophy type 3. Also called: ATP7A-Related Distal Motor Neuropathy; SPINAL MUSCULAR ATROPHY, DISTAL, X-LINKED RECESSIVE; NEURONOPATHY, DISTAL HEREDITARY MOTOR, X-LINKED; NEUROPATHY, DISTAL HEREDITARY MOTOR, X-LINKED. Identifiers: Orphanet 139557, MedGen C1845359, MONDO:0010338, OMIM 300489.
Menkes kinky-hair syndrome (MNK). Also called: Copper transport disease; Menkes Disease; Classic Menkes Disease. Identifiers: Orphanet 565, MedGen C0022716, MONDO:0010651, OMIM 309400.
Cutis laxa, X-linked (OHS). Also called: EDS IX; Occipital horn syndrome. Identifiers: Orphanet 198, MedGen C0268353, MONDO:0010572, OMIM 304150.

Submission:

Labcorp Genetics (formerly Invitae), Labcorp
Classification: Uncertain significance for X-linked distal spinal muscular atrophy type 3; Cutis laxa, X-linked; Menkes kinky-hair syndrome. Last evaluated: 2022-04-10. Review status: criteria provided, single submitter. Criteria: Invitae Variant Classification Sherloc (09022015). Collection method: clinical testing. Allele origin: germline.
Comment: This sequence change replaces threonine, which is neutral and polar, with asparagine, which is neutral and polar, at codon 1479 of the ATP7A protein (p.Thr1479Asn). This variant is not present in population databases (gnomAD no frequency). This variant has not been reported in the literature in individuals affected with ATP7A-related conditions. Advanced modeling of protein sequence and biophysical properties (such as structural, functional, and spatial information, amino acid conservation, physicochemical variation, residue mobility, and thermodynamic stability) performed at Invitae indicates that this missense variant is not expected to disrupt ATP7A protein function. In summary, the available evidence is currently insufficient to determine the role of this variant in disease. Therefore, it has been classified as a Variant of Uncertain Significance.

NM_000052.7(ATP7A):c.4436C>A (p.Thr1479Asn)

Gene: ATP7A (ATPase copper transporting alpha; plus strand). Cytogenetic location: Xq21.1.
Variant type: single nucleotide variant.
Coding change: c.4436C>A on transcript NM_000052.7 (MANE Select); coding-DNA position 4436, C replaced by A.
Protein change: p.Thr1479Asn; replaces threonine 1479 with asparagine.
Molecular consequence: missense variant. On other transcripts: non-coding transcript variant (1).
Genome position (GRCh38, 1-based): chrX:78,046,503, C>A. VCF-style: chrX-78046503-C-A. GRCh37 (hg19) VCF-style: chrX-77302000-C-A.
Other names: c.4202C>A, p.Thr1401Asn (NM_001282224.2); short protein forms T1401N, T1479N.
Identifiers: ClinVar variation 2121355 (VCV002121355.4), dbSNP rs2522427873, ClinGen allele CA413606415.